The following is an entry in ClinVar:

ClinVar aggregate classification (germline): Uncertain significance (1 of 4 stars; one submission).

Conditions:
Ehlers-Danlos syndrome, spondylodysplastic type, 3. Also called: Ehlers-Danlos syndrome, spondylocheirodysplastic type. Identifiers: Orphanet 157965, MedGen C2676510, MONDO:0012873, OMIM 612350.

Allele frequency attached by ClinVar (database versions not stated): gnomAD 0.00001.
gnomAD v4.1: 1 of 1,613,926 alleles (0.000062%); highest among the groups gnomAD compares: African/African-American, 0.0013%; no homozygotes.

Submission:

Labcorp Genetics (formerly Invitae), Labcorp
Classification: Uncertain significance for Ehlers-Danlos syndrome, spondylodysplastic type, 3. Last evaluated: 2022-08-02. Review status: criteria provided, single submitter. Criteria: Invitae Variant Classification Sherloc (09022015). Collection method: clinical testing. Allele origin: germline.
Comment: This sequence change creates a premature translational stop signal (p.Gln344*) in the SLC39A13 gene. While this is not anticipated to result in nonsense mediated decay, it is expected to disrupt the last 21 amino acid(s) of the SLC39A13 protein. This variant is not present in population databases (gnomAD no frequency). This variant has not been reported in the literature in individuals affected with SLC39A13-related conditions. Experimental studies and prediction algorithms are not available or were not evaluated, and the functional significance of this variant is currently unknown. In summary, the available evidence is currently insufficient to determine the role of this variant in disease. Therefore, it has been classified as a Variant of Uncertain Significance.

NM_001128225.3(SLC39A13):c.1051C>T (p.Gln351Ter)

Gene: SLC39A13 (solute carrier family 39 member 13; plus strand). Cytogenetic location: 11p11.2.
Variant type: single nucleotide variant.
Coding change: c.1051C>T on transcript NM_001128225.3 (MANE Select); coding-DNA position 1051, C replaced by T.
Protein change: p.Gln351Ter; replaces glutamine 351 with a stop codon.
Molecular consequence: nonsense. On other transcripts: 3 prime UTR variant (1), non-coding transcript variant (1).
Genome position (GRCh38, 1-based): chr11:47,415,298, C>T. VCF-style: chr11-47415298-C-T. GRCh37 (hg19) VCF-style: chr11-47436849-C-T.
Other names: c.*48C>T (NM_001330245.2); c.1030C>T, p.Gln344Ter (NM_152264.5); short protein forms Q344*, Q351*.
Identifiers: ClinVar variation 2091105 (VCV002091105.1), dbSNP rs2096021411, ClinGen allele CA380315378.